The following is an entry in ClinVar:

NM_020791.4(TAOK1):c.782G>T (p.Cys261Phe)

Gene: TAOK1 (TAO kinase 1; plus strand). Cytogenetic location: 17q11.2.
Variant type: single nucleotide variant.
Coding change: c.782G>T on transcript NM_020791.4 (MANE Select); coding-DNA position 782, G replaced by T.
Protein change: p.Cys261Phe; replaces cysteine 261 with phenylalanine.
Molecular consequence: missense variant.
Genome position (GRCh38, 1-based): chr17:29,491,816, G>T. VCF-style: chr17-29491816-G-T. GRCh37 (hg19) VCF-style: chr17-27818834-G-T.
Other names: c.782G>T, p.Cys261Phe (NM_025142.1); short protein forms C261F.
Identifiers: ClinVar variation 4795345 (VCV004795345.1).
Genomic context (GRCh38, chr17:29,491,816, plus strand): 5'-GTTCACTTGATACTTTCCTTTACAATAGGTCTGATTATTTTCGCAACTTTGTAGATTCTT[G>T]CCTCCAGAAAATCCCTCAAGATCGACCTACATCAGAGGAACTTTTAAAGGTCAGTTCTAT-3'
Protein context (NP_065842.1, residues 251-271): SDYFRNFVDS[Cys261Phe]LQKIPQDRPT

ClinVar aggregate classification (germline): Uncertain significance (1 of 4 stars; one submission).

Submission:

GeneDx
Classification: Uncertain significance. Last evaluated: 2025-08-16. Review status: criteria provided, single submitter. Criteria: GeneDx Variant Classification Process June 2021. Collection method: clinical testing. Allele origin: germline. Affected: yes.
Comment: Not observed at significant frequency in large population cohorts (gnomAD); In silico analysis supports that this missense variant has a deleterious effect on protein structure/function; Has not been previously published as pathogenic or benign to our knowledge